The following is an entry in ClinVar:

ClinVar aggregate classification (germline): Pathogenic/Likely pathogenic. Review status: criteria provided, multiple submitters, no conflicts (2 of 4 stars). 4 submissions from 4 submitters: Pathogenic (1); Likely pathogenic (3). Last evaluated 2025-05-27.

Conditions:
Cardiac arrhythmia. Also called: Cardiac rhythm disease; Arrhythmia. Identifiers: MedGen C0003811, MONDO:0007263, HP:0011675.
Cardiovascular phenotype. Identifiers: MedGen CN230736.
Long QT syndrome (LQTS). Identifiers: MedGen C0023976, MeSH D008133, MONDO:0002442. Disease mechanism: loss of function. Inheritance: Various modes of inheritance.

Submissions (4):

Color Diagnostics, LLC DBA Color Health
Classification: Likely pathogenic for Cardiac arrhythmia. Last evaluated: 2025-05-27. Review status: criteria provided, single submitter. Criteria: ACMG Guidelines, 2015. Collection method: clinical testing. Allele origin: germline.
Comment: This missense variant replaces arginine with leucine at codon 366 of the KCNQ1 protein. This variant is located within the conserved C-terminal region of the KCNQ1 protein. Rare non-truncating variants in this region have been shown to be significantly overrepresented in individuals with long QT syndrome (PMID: 32893267). Computational prediction suggests that this variant may have deleterious impact on protein structure and function. To our knowledge, functional studies have not been reported for this variant. This variant has been observed in multiple individuals affected with long QT syndrome (PMID: 31535183, 31737537Color internal data). This variant has not been identified in the general population by the Genome Aggregation Database (gnomAD). Different missense variants occurring at the same codon, p.Arg366Trp and p.Arg366Gln, are known to be pathogenic (ClinVar variation ID 52955, 52956), indicating that arginine at this position is important for KCNQ1 protein function. This variant has not been identified in the general population by the Genome Aggregation Database (gnomAD). Based on the available evidence, this variant is classified as Likely Pathogenic.

Labcorp Genetics (formerly Invitae), Labcorp
Classification: Pathogenic for Long QT syndrome. Last evaluated: 2023-10-03. Review status: criteria provided, single submitter. Criteria: Invitae Variant Classification Sherloc (09022015). Collection method: clinical testing. Allele origin: germline.
Comment: This sequence change replaces arginine, which is basic and polar, with leucine, which is neutral and non-polar, at codon 366 of the KCNQ1 protein (p.Arg366Leu). This variant is not present in population databases (gnomAD no frequency). This missense change has been observed in individuals with clinical features of long QT syndrome (PMID: 31535183; Invitae). ClinVar contains an entry for this variant (Variation ID: 1185948). Advanced modeling of protein sequence and biophysical properties (such as structural, functional, and spatial information, amino acid conservation, physicochemical variation, residue mobility, and thermodynamic stability) performed at Invitae indicates that this missense variant is expected to disrupt KCNQ1 protein function. This variant disrupts the Arg366 amino acid residue in KCNQ1. Other variant(s) that disrupt this residue have been determined to be pathogenic (PMID: 14678125, 15935335, 19934648, 23158531, 23861489, 26669661). This suggests that this residue is clinically significant, and that variants that disrupt this residue are likely to be disease-causing. For these reasons, this variant has been classified as Pathogenic.

Ambry Genetics
Classification: Likely pathogenic for Cardiovascular phenotype. Last evaluated: 2023-03-27. Review status: criteria provided, single submitter. Criteria: Ambry Variant Classification Scheme 2023. Collection method: clinical testing. Allele origin: germline.
Comment: The p.R366L variant (also known as c.1097G>T), located in coding exon 8 of the KCNQ1 gene, results from a G to T substitution at nucleotide position 1097. The arginine at codon 366 is replaced by leucine, an amino acid with dissimilar properties. This alteration has been reported in subjects with long QT syndrome (LQTS) (Marschall C et al. Cardiovasc Diagn Ther, 2019 Oct;9:S292-S298; Bennett JS et al. Pediatr Cardiol, 2019 Dec;40:1679-1687). Two other alterations at the same codon, p.R366W (c.1096C>T) and p.R366Q (c.1097G>A), have also been described in association with LQTS (Splawski I et al. Genomics. 1998;51(1):86-97; Jim&eacute;nez-J&aacute;imez J et al. Heart, 2015 Aug;101:1232, 1239). This amino acid position is highly conserved in available vertebrate species. In addition, this alteration is predicted to be deleterious by in silico analysis. This variant is considered to be rare based on population cohorts in the Genome Aggregation Database (gnomAD). Based on the majority of available evidence to date, this variant is likely to be pathogenic.

GeneDx
Classification: Likely pathogenic. Last evaluated: 2020-01-13. Review status: criteria provided, single submitter. Criteria: GeneDx Variant Classification Process June 2021. Collection method: clinical testing. Allele origin: germline. Affected: yes.
Comment: Reported in a patient with an inherited arrhythmia syndrome (Bennett et al., 2019); Not observed in large population cohorts (Lek et al., 2016); In silico analysis, which includes protein predictors and evolutionary conservation, supports a deleterious effect; This variant is associated with the following publications: (PMID: 31737537, 31535183)

Literature cited by the submitters: PubMed 31535183 (cited by 3 submitters); PubMed 31737537 (cited by Color Diagnostics, LLC DBA Color Health and Ambry Genetics); PubMed 32893267 (cited by Color Diagnostics, LLC DBA Color Health); PubMed 14678125 (cited by Labcorp Genetics (formerly Invitae), Labcorp); PubMed 15935335 (cited by Labcorp Genetics (formerly Invitae), Labcorp); PubMed 19934648 (cited by Labcorp Genetics (formerly Invitae), Labcorp); PubMed 23158531 (cited by Labcorp Genetics (formerly Invitae), Labcorp); PubMed 23861489 (cited by Labcorp Genetics (formerly Invitae), Labcorp); PubMed 26669661 (cited by Labcorp Genetics (formerly Invitae), Labcorp).

NM_000218.3(KCNQ1):c.1097G>T (p.Arg366Leu)

Gene: KCNQ1 (potassium voltage-gated channel subfamily Q member 1; plus strand). Cytogenetic location: 11p15.5.
Variant type: single nucleotide variant.
Coding change: c.1097G>T on transcript NM_000218.3 (MANE Select); coding-DNA position 1097, G replaced by T.
Protein change: p.Arg366Leu; replaces arginine 366 with leucine.
Molecular consequence: missense variant.
Genome position (GRCh38, 1-based): chr11:2,585,276, G>T. VCF-style: chr11-2585276-G-T. GRCh37 (hg19) VCF-style: chr11-2606506-G-T.
Other names: c.827G>T, p.Arg276Leu (NM_001406837.1); c.716G>T, p.Arg239Leu (NM_181798.2); short protein forms R239L, R366L, R276L.
Identifiers: ClinVar variation 1185948 (VCV001185948.15), dbSNP rs199473410, ClinGen allele CA379133861.